The following is an entry in ClinVar:

ClinVar aggregate classification (germline): Uncertain significance (1 of 4 stars; one submission).

Conditions:
CAMTA1-related disorder. Also called: CAMTA1-related condition.

Submission:

PreventionGenetics, part of Exact Sciences
Classification: Uncertain significance for CAMTA1-related condition. Last evaluated: 2023-03-06. Review status: criteria provided, single submitter. Criteria: ACMG Guidelines, 2015. Collection method: clinical testing. Allele origin: germline.
Comment: The CAMTA1 c.3457T>C variant is predicted to result in the amino acid substitution p.Ser1153Pro. To our knowledge, this variant has not been reported in the literature or in a large population database, indicating this variant is rare. At this time, the clinical significance of this variant is uncertain due to the absence of conclusive functional and genetic evidence.

NM_015215.4(CAMTA1):c.3457T>C (p.Ser1153Pro)

Gene: CAMTA1 (calmodulin binding transcription activator 1; plus strand). Cytogenetic location: 1p36.23.
Variant type: single nucleotide variant.
Coding change: c.3457T>C on transcript NM_015215.4 (MANE Select); coding-DNA position 3457, T replaced by C.
Protein change: p.Ser1153Pro; replaces serine 1153 with proline.
Molecular consequence: missense variant.
Genome position (GRCh38, 1-based): chr1:7,737,369, T>C. VCF-style: chr1-7737369-T-C. GRCh37 (hg19) VCF-style: chr1-7797429-T-C.
Other names: c.3367T>C, p.Ser1123Pro (NM_001349608.2, NM_001349612.2); c.3457T>C, p.Ser1153Pro (NM_001349609.2, NM_001349610.2, NM_001410737.1); c.586T>C, p.Ser196Pro (NM_001349613.1); c.529T>C, p.Ser177Pro (NM_001349614.1, NM_001349615.2, NM_001349616.2 and 10 more transcripts); c.3385T>C, p.Ser1129Pro (NM_001410738.1); short protein forms S1123P, S1129P, S1153P, S177P, S196P.
Identifiers: ClinVar variation 2630507 (VCV002630507.1), dbSNP rs576349312, ClinGen allele CA338128201.